The following is an entry in ClinVar:

ClinVar aggregate classification (germline): Uncertain significance. Review status: criteria provided, multiple submitters, no conflicts (2 of 4 stars). 2 submissions from 2 submitters: Uncertain significance (2). Last evaluated 2021-04-11.

Conditions:
Hereditary cancer-predisposing syndrome. Also called: Hereditary Cancer Syndrome; Tumor predisposition; Hereditary neoplastic syndrome; Neoplastic Syndromes, Hereditary. Identifiers: Orphanet 140162, MedGen C0027672, MeSH D009386, MONDO:0015356.

Submissions (2):

Labcorp Genetics (formerly Invitae), Labcorp
Classification: Uncertain significance for Hereditary cancer-predisposing syndrome. Last evaluated: 2021-04-11. Review status: criteria provided, single submitter. Criteria: Invitae Variant Classification Sherloc (09022015). Collection method: clinical testing. Allele origin: germline.
Comment: In summary, the available evidence is currently insufficient to determine the role of this variant in disease. Therefore, it has been classified as a Variant of Uncertain Significance. Algorithms developed to predict the effect of missense changes on protein structure and function are either unavailable or do not agree on the potential impact of this missense change (SIFT: "Deleterious"; PolyPhen-2: "Benign"; Align-GVGD: "Class C0"). This variant has not been reported in the literature in individuals with RAD50-related disease. This variant is not present in population databases (ExAC no frequency). This sequence change replaces threonine with arginine at codon 674 of the RAD50 protein (p.Thr674Arg). The threonine residue is moderately conserved and there is a moderate physicochemical difference between threonine and arginine.

Ambry Genetics
Classification: Uncertain significance for Hereditary cancer-predisposing syndrome. Last evaluated: 2019-08-12. Review status: criteria provided, single submitter. Criteria: Ambry Variant Classification Scheme 2023. Collection method: clinical testing. Allele origin: germline.
Comment: The p.T674R variant (also known as c.2021C>G), located in coding exon 13 of the RAD50 gene, results from a C to G substitution at nucleotide position 2021. The threonine at codon 674 is replaced by arginine, an amino acid with similar properties. This amino acid position is well conserved in available vertebrate species. In addition, the in silico prediction for this alteration is inconclusive. Since supporting evidence is limited at this time, the clinical significance of this alteration remains unclear.

NM_005732.4(RAD50):c.2021C>G (p.Thr674Arg)

Gene: RAD50 (RAD50 double strand break repair protein; plus strand). Cytogenetic location: 5q31.1.
Variant type: single nucleotide variant.
Coding change: c.2021C>G on transcript NM_005732.4 (MANE Select); coding-DNA position 2021, C replaced by G.
Protein change: p.Thr674Arg; replaces threonine 674 with arginine.
Molecular consequence: missense variant.
Genome position (GRCh38, 1-based): chr5:132,595,624, C>G. VCF-style: chr5-132595624-C-G. GRCh37 (hg19) VCF-style: chr5-131931316-C-G.
Other names: short protein forms T674R.
Identifiers: ClinVar variation 645897 (VCV000645897.13), dbSNP rs1580996968, ClinGen allele CA360949407.